The following is an entry in ClinVar:

ClinVar aggregate classification (germline): Uncertain significance (1 of 4 stars; one submission).

gnomAD v4.1: 1 of 1,614,130 alleles (0.000062%); highest among the groups gnomAD compares: Non-Finnish European, 0.000085%; no homozygotes.

Submission:

GeneDx
Classification: Uncertain significance. Last evaluated: 2024-11-24. Review status: criteria provided, single submitter. Criteria: GeneDx Variant Classification Process June 2021. Collection method: clinical testing. Allele origin: germline. Affected: yes.
Comment: Has not been previously published as pathogenic or benign to our knowledge; Not observed at significant frequency in large population cohorts (gnomAD); In silico analysis indicates that this missense variant does not alter protein structure/function

NM_001042432.2(CLN3):c.46G>A (p.Gly16Arg)

Gene: CLN3 (CLN3 lysosomal/endosomal transmembrane protein, battenin; minus strand). Cytogenetic location: 16p12.1.
Variant type: single nucleotide variant.
Coding change: c.46G>A on transcript NM_001042432.2 (MANE Select); coding-DNA position 46, G replaced by A.
Protein change: p.Gly16Arg; replaces glycine 16 with arginine.
Molecular consequence: missense variant. On other transcripts: 5 prime UTR variant (3).
Genome position (GRCh38, 1-based): chr16:28,491,714, C>T on the plus strand (G>A on the coding strand, the complement: CLN3 is on the minus strand). VCF-style: chr16-28491714-C-T. GRCh37 (hg19) VCF-style: chr16-28503035-C-T.
Other names: c.46G>A, p.Gly16Arg (NM_000086.2, NM_001286104.2); c.-96G>A (NM_001286105.2); c.-38G>A (NM_001286109.2, NM_001286110.2); short protein forms G16R.
Identifiers: ClinVar variation 3900551 (VCV003900551.1).